The following is an entry in ClinVar:

ClinVar aggregate classification (germline): Conflicting classifications of pathogenicity. Review status: criteria provided, conflicting classifications (1 of 4 stars). 4 submissions from 4 submitters: Uncertain significance (1); Likely benign (1). 2 of the submissions do not count toward it. Last evaluated 2026-01-24.

Conditions:
Glycogen storage disease, type IV (GSD4). Also called: Glycogen storage disease due to glycogen branching enzyme deficiency; AMYLOPECTINOSIS; ANDERSEN DISEASE; BRANCHER DEFICIENCY; CIRRHOSIS, FAMILIAL, WITH DEPOSITION OF ABNORMAL GLYCOGEN; GBE1 DEFICIENCY. Identifiers: Orphanet 367, MedGen C0017923, MONDO:0009292, OMIM 232500.
Glycogen storage disease IV, classic hepatic. Also called: GSD IV, CLASSIC HEPATIC. Identifiers: MedGen C1856301.
GBE1-related disorder. Also called: GBE1-related disorders; GBE1-related condition. Identifiers: MedGen CN239402.

Allele frequency attached by ClinVar (database versions not stated): gnomAD exomes 0.00003 and 0.00005; ExAC 0.00006; ESP Exome Variant Server 0.00025; gnomAD 0.00025 and 0.00027; TOPMed 0.00038; 1000 Genomes Project 0.00040; 1000 Genomes Project 30x 0.00047.
gnomAD v4.1: 77 of 1,581,328 alleles (0.0049%); highest among the groups gnomAD compares: African/African-American, 0.097%; no homozygotes.

Submissions (4):

Labcorp Genetics (formerly Invitae), Labcorp
Classification: Likely benign for Glycogen storage disease, type IV; Glycogen storage disease IV, classic hepatic. Last evaluated: 2026-01-24. Review status: criteria provided, single submitter. Criteria: Invitae Variant Classification Sherloc (09022015). Collection method: clinical testing. Allele origin: germline.

Blueprint Genetics
Classification: Uncertain significance. Last evaluated: 2020-07-06. Review status: criteria provided, single submitter. Criteria: ACMG Guidelines, 2015. Collection method: clinical testing. Allele origin: germline.

Natera, Inc.
Classification: Uncertain significance for Glycogen storage disease type IV. Last evaluated: 2020-03-11. Review status: no assertion criteria provided. Collection method: clinical testing. Allele origin: germline. Not counted in ClinVar's aggregate classification.

PreventionGenetics, part of Exact Sciences
Classification: Likely benign for GBE1-related condition. Last evaluated: 2019-08-14. Review status: no assertion criteria provided. Collection method: clinical testing. Allele origin: germline. Not counted in ClinVar's aggregate classification.
Comment: This variant is classified as likely benign based on ACMG/AMP sequence variant interpretation guidelines (Richards et al. 2015 PMID: 25741868, with internal and published modifications).

NM_000158.4(GBE1):c.990C>T (p.Ser330=)

Gene: GBE1 (1,4-alpha-glucan branching enzyme 1; minus strand). Cytogenetic location: 3p12.2.
Variant type: single nucleotide variant.
Coding change: c.990C>T on transcript NM_000158.4 (MANE Select); coding-DNA position 990, C replaced by T.
Protein change: p.Ser330=; no amino-acid change (serine 330 retained).
Molecular consequence: synonymous variant.
Genome position (GRCh38, 1-based): chr3:81,642,783, G>A on the plus strand (C>T on the coding strand, the complement: GBE1 is on the minus strand). VCF-style: chr3-81642783-G-A. GRCh37 (hg19) VCF-style: chr3-81691934-G-A.
Identifiers: ClinVar variation 763815 (VCV000763815.14), dbSNP rs371194644, ClinGen allele CA2499824.